The following is an entry in ClinVar:

ClinVar aggregate classification (germline): Uncertain significance. Review status: criteria provided, multiple submitters, no conflicts (2 of 4 stars). 2 submissions from 2 submitters: Uncertain significance (2). Last evaluated 2022-04-22.

Allele frequency attached by ClinVar (database versions not stated): gnomAD exomes below 0.00001 and 0.00001; ExAC 0.00001.
gnomAD v4.1: 2 of 1,211,131 alleles (0.00017%); highest among the groups gnomAD compares: Non-Finnish European, 0.00022%; no homozygotes.

Submissions (2):

Ambry Genetics
Classification: Uncertain significance. Last evaluated: 2022-04-22. Review status: criteria provided, single submitter. Criteria: Ambry Variant Classification Scheme 2023. Collection method: clinical testing. Allele origin: germline.

Centre for Mendelian Genomics, University Medical Centre Ljubljana
Classification: Uncertain significance. Last evaluated: 2020-01-08. Review status: criteria provided, single submitter. Criteria: ACMG Guidelines, 2015. Collection method: clinical testing. Allele origin: unknown. Affected: yes.
Comment: This variant was classified as: Uncertain significance. The available evidence on this variant's pathogenicity is insufficient or conflicting. The following ACMG criteria were applied in classifying this variant: PM2. This variant was detected in hemizygous state.

NM_004840.3(ARHGEF6):c.1006G>A (p.Ala336Thr)

Gene: ARHGEF6 (Rac/Cdc42 guanine nucleotide exchange factor 6; minus strand). Cytogenetic location: Xq26.3.
Variant type: single nucleotide variant.
Coding change: c.1006G>A on transcript NM_004840.3 (MANE Select); coding-DNA position 1006, G replaced by A.
Protein change: p.Ala336Thr; replaces alanine 336 with threonine.
Molecular consequence: missense variant.
Genome position (GRCh38, 1-based): chrX:136,706,948, C>T on the plus strand (G>A on the coding strand, the complement: ARHGEF6 is on the minus strand). VCF-style: chrX-136706948-C-T. GRCh37 (hg19) VCF-style: chrX-135789107-C-T.
Other names: c.544G>A, p.Ala182Thr (NM_001306177.2); short protein forms A182T, A336T.
Identifiers: ClinVar variation 931016 (VCV000931016.5), dbSNP rs761576293, ClinGen allele CA10528468.
Genomic context (GRCh38, chrX:136,706,948, plus strand): 5'-GGGAAATGTTAACTATTTACCTGTGCTGAGTGAGCACATTTACAGCTGAAGGATGGTTTG[C>T]ACAGTAAGCCAGATACATAGATTTAAAATGAGGCATGAGACTCAGTAGACAACCTCCTAC-3'
Protein context (NP_004831.1, residues 326-346): HFKSMYLAYC[Ala336Thr]NHPSAVNVLT